The following is an entry in ClinVar:

ClinVar aggregate classification (germline): Pathogenic (1 of 4 stars; one submission).

Conditions:
Ataxia-telangiectasia syndrome (AT). Also called: ATAXIA-TELANGIECTASIA, COMPLEMENTATION GROUP A; ATAXIA-TELANGIECTASIA, FRESNO VARIANT; Ataxia-telangiectasia, complementation group D; LOUIS-BAR SYNDROME; AT, COMPLEMENTATION GROUP C; Ataxia-telangiectasia. Identifiers: Orphanet 100, MedGen C0004135, MONDO:0008840, OMIM 208900.

Submission:

Labcorp Genetics (formerly Invitae), Labcorp
Classification: Pathogenic for Ataxia-telangiectasia syndrome. Last evaluated: 2024-01-21. Review status: criteria provided, single submitter. Criteria: Invitae Variant Classification Sherloc (09022015). Collection method: clinical testing. Allele origin: germline.
Comment: This sequence change creates a premature translational stop signal (p.Ile352Leufs*6) in the ATM gene. It is expected to result in an absent or disrupted protein product. Loss-of-function variants in ATM are known to be pathogenic (PMID: 23807571, 25614872). This variant is not present in population databases (gnomAD no frequency). This variant has not been reported in the literature in individuals affected with ATM-related conditions. For these reasons, this variant has been classified as Pathogenic.

Literature cited by the submitters: PubMed 23807571; PubMed 25614872.

NM_000051.4(ATM):c.1054_1055del (p.Ile352fs)

Gene: ATM (ATM serine/threonine kinase; plus strand). Cytogenetic location: 11q22.3.
Variant type: Microsatellite.
Coding change: c.1054_1055del on transcript NM_000051.4 (MANE Select); coding-DNA positions 1054 to 1055, 2 bases deleted (AT; older notation c.1054_1055delAT).
Protein change: p.Ile352fs; shifts the reading frame from isoleucine 352.
Molecular consequence: frameshift variant.
Genome position (GRCh38, 1-based): chr11:108,247,116-108,247,117, AT deleted; deleting any 2 consecutive bases within chr11:108,247,114-108,247,117 gives the same sequence; the c. name uses the placement nearest the transcript's 3' end. VCF-style (leftmost placement, unchanged base first): chr11-108247113-GAT-G. GRCh37 (hg19) VCF-style: chr11-108117840-GAT-G.
Other names: c.1054_1055del, p.Ile352fs (NM_001351834.2); short protein forms I352fs.
Identifiers: ClinVar variation 2710564 (VCV002710564.3), dbSNP rs2497183108, ClinGen allele CA2697548977.